The following is an entry in ClinVar:

NM_001001563.5(TIMM50):c.451G>A (p.Val151Ile)

Gene: TIMM50 (translocase of inner mitochondrial membrane 50; plus strand). Cytogenetic location: 19q13.2.
Variant type: single nucleotide variant.
Coding change: c.451G>A on transcript NM_001001563.5 (MANE Select); coding-DNA position 451, G replaced by A.
Protein change: p.Val151Ile; replaces valine 151 with isoleucine.
Molecular consequence: missense variant.
Genome position (GRCh38, 1-based): chr19:39,485,766, G>A. VCF-style: chr19-39485766-G-A. GRCh37 (hg19) VCF-style: chr19-39976406-G-A.
Other names: c.112G>A, p.Val38Ile (NM_001329559.2); c.760G>A (NM_001001563.1); short protein forms V151I, V38I.
Identifiers: ClinVar variation 1492392 (VCV001492392.4), dbSNP rs199511949, ClinGen allele CA9431833.

ClinVar aggregate classification (germline): Uncertain significance. Review status: criteria provided, multiple submitters, no conflicts (2 of 4 stars). 2 submissions from 2 submitters: Uncertain significance (2). Last evaluated 2022-11-18.

Conditions:
Inborn genetic diseases. Identifiers: MedGen C0950123, MeSH D030342.

Allele frequency attached by ClinVar (database versions not stated): gnomAD 0.00001 and 0.00003; TOPMed 0.00001; 1000 Genomes Project 0.00040; 1000 Genomes Project 30x 0.00047.
gnomAD v4.1: 29 of 1,614,124 alleles (0.0018%); highest among the groups gnomAD compares: East Asian, 0.022%; no homozygotes.

Submissions (2):

Ambry Genetics
Classification: Uncertain significance for Inborn genetic diseases. Last evaluated: 2022-11-18. Review status: criteria provided, single submitter. Criteria: Ambry Variant Classification Scheme 2023. Collection method: clinical testing. Allele origin: germline.

Labcorp Genetics (formerly Invitae), Labcorp
Classification: Uncertain significance. Last evaluated: 2021-10-14. Review status: criteria provided, single submitter. Criteria: Invitae Variant Classification Sherloc (09022015). Collection method: clinical testing. Allele origin: germline.
Comment: This sequence change replaces valine, which is neutral and non-polar, with isoleucine, which is neutral and non-polar, at codon 254 of the TIMM50 protein (p.Val254Ile). This variant is present in population databases (rs199511949, gnomAD 0.03%). This variant has not been reported in the literature in individuals affected with TIMM50-related conditions. Algorithms developed to predict the effect of missense changes on protein structure and function are either unavailable or do not agree on the potential impact of this missense change (SIFT: "Not Available"; PolyPhen-2: "Possibly Damaging"; Align-GVGD: "Not Available"). In summary, the available evidence is currently insufficient to determine the role of this variant in disease. Therefore, it has been classified as a Variant of Uncertain Significance.